The following is an entry in ClinVar:

ClinVar aggregate classification (germline): Benign. Review status: criteria provided, multiple submitters, no conflicts (2 of 4 stars). 14 submissions from 14 submitters: Benign (11). 3 of the submissions do not count toward it. Last evaluated 2026-02-04.

Conditions:
Episodic ataxia type 1 (EA1). Also called: Episodic ataxia/myokymia syndrome; MYOKYMIA WITH PERIODIC ATAXIA; PAROXYSMAL ATAXIA WITH NEUROMYOTONIA, HEREDITARY; ATAXIA, EPISODIC, WITH MYOKYMIA. Identifiers: Orphanet 37612, Orphanet 972, MedGen C1719788, MONDO:0008047, OMIM 160120.

Allele frequency attached by ClinVar (database versions not stated): gnomAD exomes 0.69521 and 0.73815; ExAC 0.73852; ESP Exome Variant Server 0.74250; gnomAD 0.75219 and 0.75370; TOPMed 0.75996; 1000 Genomes Project 30x 0.81933; 1000 Genomes Project 0.82049.
gnomAD v4.1: 1,132,005 of 1,613,506 alleles (70%); highest among the groups gnomAD compares: East Asian, 95%; 400,817 homozygotes.

Submissions (14):

Labcorp Genetics (formerly Invitae), Labcorp
Classification: Benign for Episodic ataxia type 1. Last evaluated: 2026-02-04. Review status: criteria provided, single submitter. Criteria: Invitae Variant Classification Sherloc (09022015). Collection method: clinical testing. Allele origin: germline.

Blueprint Genetics
Classification: Benign. Last evaluated: 2024-11-27. Review status: criteria provided, single submitter. Criteria: ACMG Guidelines, 2015. Collection method: clinical testing. Allele origin: germline.

Unidad de Genómica Garrahan, Hospital de Pediatría Garrahan
Classification: Benign. Last evaluated: 2024-07-31. Review status: criteria provided, single submitter. Criteria: ACMG Guidelines, 2015. Collection method: clinical testing. Allele origin: germline. Affected: no. Observed: 83 variant alleles.
Comment: This variant is classified as Benign based on local population frequency. This variant was detected in 89% of patients studied in a panel designed for Epileptic and Developmental Encephalopathy, Progressive Myoclonus Epilepsy and Abnormal Movements and Neurodegeneration with brain iron accumulation. Number of patients: 83. Only high quality variants are reported.

Mayo Clinic Laboratories, Mayo Clinic
Classification: Benign. Last evaluated: 2022-03-24. Review status: criteria provided, single submitter. Criteria: ACMG Guidelines, 2015. Collection method: clinical testing. Allele origin: germline. Observed: 751 variant alleles.

Genome-Nilou Lab
Classification: Benign for Episodic ataxia type 1. Last evaluated: 2021-08-19. Review status: criteria provided, single submitter. Criteria: ACMG Guidelines, 2015. Collection method: clinical testing. Allele origin: germline. Affected: no.

GeneDx
Classification: Benign. Last evaluated: 2019-12-12. Review status: criteria provided, single submitter. Criteria: GeneDx Variant Classification Process June 2021. Collection method: clinical testing. Allele origin: germline. Affected: yes.

Athena Diagnostics
Classification: Benign. Last evaluated: 2018-05-06. Review status: criteria provided, single submitter. Criteria: Athena Diagnostics Criteria. Collection method: clinical testing. Allele origin: germline.

Illumina Laboratory Services, Illumina
Classification: Benign for Episodic ataxia type 1. Last evaluated: 2018-01-13. Review status: criteria provided, single submitter. Criteria: ICSL Variant Classification Criteria 13 December 2019. Collection method: clinical testing. Allele origin: germline.
Comment: This variant was observed in the ICSL laboratory as part of a predisposition screen in an ostensibly healthy population. It had not been previously curated by ICSL or reported in the Human Gene Mutation Database (HGMD: prior to June 1st, 2018), and was therefore a candidate for classification through an automated scoring system. Utilizing variant allele frequency, disease prevalence and penetrance estimates, and inheritance mode, an automated score was calculated to assess if this variant is too frequent to cause the disease. Based on the score and internal cut-off values, a variant classified as benign is not then subjected to further curation. The score for this variant resulted in a classification of benign for this disease.

Eurofins Ntd Llc (ga)
Classification: Benign. Last evaluated: 2015-09-29. Review status: criteria provided, single submitter. Criteria: EGL Classification Definitions 2015. Collection method: clinical testing. Allele origin: germline. Observed: 4 variant alleles, 2 heterozygotes, 2 homozygotes.

Clinical Genetics DNA and cytogenetics Diagnostics Lab, Erasmus MC, Erasmus Medical Center
Classification: Benign for Episodic ataxia type 1. Last evaluated: 2015-09-21. Review status: criteria provided, single submitter. Criteria: ACGS Guidelines, 2013. Collection method: clinical testing. Allele origin: germline. Affected: yes. Study: VKGL Data-share Consensus.

Breakthrough Genomics
Classification: Benign. Review status: criteria provided, single submitter. Criteria: ACMG Guidelines, 2015. Collection method: not provided. Allele origin: germline. Inheritance: Autosomal dominant inheritance. Affected: yes.

Diagnostic Laboratory, Department of Genetics, University Medical Center Groningen
Classification: Benign for Episodic ataxia type 1. Review status: no assertion criteria provided. Collection method: clinical testing. Allele origin: germline. Affected: yes. Study: VKGL Data-share Consensus. Not counted in ClinVar's aggregate classification.

Genetic Services Laboratory, University of Chicago
Classification: Likely benign for AllHighlyPenetrant. Review status: no assertion criteria provided. Collection method: clinical testing. Allele origin: germline. Inheritance: Autosomal dominant inheritance. Not counted in ClinVar's aggregate classification.
Comment: Likely benign based on allele frequency in 1000 Genomes Project or ESP global frequency and its presence in a patient with a rare or unrelated disease phenotype. NOT Sanger confirmed.

Joint Genome Diagnostic Labs from Nijmegen and Maastricht, Radboudumc and MUMC+
Classification: Benign. Review status: no assertion criteria provided. Collection method: clinical testing. Allele origin: germline. Affected: yes. Study: VKGL Data-share Consensus. Not counted in ClinVar's aggregate classification.

NM_000217.3(KCNA1):c.1440T>A (p.Thr480=)

Gene: KCNA1 (potassium voltage-gated channel subfamily A member 1; plus strand). Cytogenetic location: 12p13.32.
Variant type: single nucleotide variant.
Coding change: c.1440T>A on transcript NM_000217.3 (MANE Select); coding-DNA position 1440, T replaced by A.
Protein change: p.Thr480=; no amino-acid change (threonine 480 retained).
Molecular consequence: synonymous variant.
Genome position (GRCh38, 1-based): chr12:4,912,818, T>A. VCF-style: chr12-4912818-T-A. GRCh37 (hg19) VCF-style: chr12-5021984-T-A.
Other names: p.Thr480=.
Identifiers: ClinVar variation 129313 (VCV000129313.35), dbSNP rs4766309, ClinGen allele CA153255.
Genomic context (GRCh38, chr12:4,912,818, plus strand): 5'-TATGAATAATAGCATAGCCCATTATAGACAGGTCAATATCAGAACTGCCAATTGCACCAC[T>A]GCTAACCAAAACTGCGTTAATAAGAGCAAGCTACTGACCGATGTTTAAAAAACAAAGGCA-3'
Protein context (NP_000208.2, residues 470-490): QVNIRTANCT[Thr480=]ANQNCVNKSK